The following is an entry in ClinVar:

ClinVar aggregate classification (germline): Uncertain significance (1 of 4 stars; one submission).

Conditions:
Hyper-IgM syndrome type 5 (HIGM5). Also called: Hyper-IgM Immunodeficiency Syndrome, Type 5. Identifiers: Orphanet 101092, MedGen C1720958, MONDO:0011971, OMIM 608106.

Allele frequency attached by ClinVar (database versions not stated): gnomAD exomes below 0.00001 and 0.00001; TOPMed below 0.00001; gnomAD 0.00001.

Submission:

Labcorp Genetics (formerly Invitae), Labcorp
Classification: Uncertain significance for Hyper-IgM syndrome type 5. Last evaluated: 2021-09-01. Review status: criteria provided, single submitter. Criteria: Invitae Variant Classification Sherloc (09022015). Collection method: clinical testing. Allele origin: germline.
Comment: This sequence change replaces histidine with asparagine at codon 195 of the UNG protein (p.His195Asn). The histidine residue is moderately conserved and there is a small physicochemical difference between histidine and asparagine. This variant is not present in population databases (ExAC no frequency). This variant has not been reported in the literature in individuals affected with UNG-related conditions. Algorithms developed to predict the effect of missense changes on protein structure and function are either unavailable or do not agree on the potential impact of this missense change (SIFT: "Tolerated"; PolyPhen-2: "Possibly Damaging"; Align-GVGD: "Class C0"). In summary, the available evidence is currently insufficient to determine the role of this variant in disease. Therefore, it has been classified as a Variant of Uncertain Significance.

NM_080911.3(UNG):c.583C>A (p.His195Asn)

Gene: UNG (uracil DNA glycosylase; plus strand). Cytogenetic location: 12q24.11.
Variant type: single nucleotide variant.
Coding change: c.583C>A on transcript NM_080911.3 (MANE Select); coding-DNA position 583, C replaced by A.
Protein change: p.His195Asn; replaces histidine 195 with asparagine.
Molecular consequence: missense variant.
Genome position (GRCh38, 1-based): chr12:109,102,888, C>A. VCF-style: chr12-109102888-C-A. GRCh37 (hg19) VCF-style: chr12-109540693-C-A.
Other names: c.556C>A, p.His186Asn (NM_003362.4); short protein forms H186N, H195N.
Identifiers: ClinVar variation 1378463 (VCV001378463.5), dbSNP rs1441489549, ClinGen allele CA386472335.